The following is an entry in ClinVar:

NM_006201.5(CDK16):c.1027A>T (p.Ile343Phe)

Gene: CDK16 (cyclin dependent kinase 16; plus strand). Cytogenetic location: Xp11.3.
Variant type: single nucleotide variant.
Coding change: c.1027A>T on transcript NM_006201.5 (MANE Select); coding-DNA position 1027, A replaced by T.
Protein change: p.Ile343Phe; replaces isoleucine 343 with phenylalanine.
Molecular consequence: missense variant.
Genome position (GRCh38, 1-based): chrX:47,226,693, A>T. VCF-style: chrX-47226693-A-T. GRCh37 (hg19) VCF-style: chrX-47086092-A-T.
Other names: c.1249A>T, p.Ile417Phe (NM_001170460.2); c.1045A>T, p.Ile349Phe (NM_033018.4); short protein forms I343F, I349F, I417F.
Identifiers: ClinVar variation 422611 (VCV000422611.2), dbSNP rs1064795893, ClinGen allele CA16621411.

ClinVar aggregate classification (germline): Uncertain significance (1 of 4 stars; one submission).

Submission:

GeneDx
Classification: Uncertain significance. Last evaluated: 2016-11-08. Review status: criteria provided, single submitter. Criteria: GeneDx Variant Classification (06012015). Collection method: clinical testing. Allele origin: germline. Affected: yes.
Comment: The I343F variant in the CDK16 gene has not been reported previously as a pathogenic variant, nor as a benign variant, to our knowledge. The I343F variant was not observed in approximately 6500 individuals of European and African American ancestry in the NHLBI Exome Sequencing Project, indicating it is not a common benign variant in these populations. The I343F variant is a conservative amino acid substitution, which is not likely to impact secondary protein structure as these residues share similar properties. However, this substitution occurs at a position that is conserved across species and in silico analysis predicts this variant is probably damaging to the protein structure/function. We interpret I343F as a variant of uncertain significance.